The following is an entry in ClinVar:

NM_000396.4(CTSK):c.23_26dup (p.Pro10fs)

Gene: CTSK (cathepsin K; minus strand). Cytogenetic location: 1q21.3.
Variant type: Duplication.
Coding change: c.23_26dup on transcript NM_000396.4 (MANE Select); coding-DNA positions 23 to 26, 4 bases duplicated (TGCT; older notation c.23_26dupTGCT).
Protein change: p.Pro10fs; shifts the reading frame from proline 10.
Molecular consequence: frameshift variant.
Genome position (GRCh38, 1-based): chr1:150,806,780-150,806,783, AGCA duplicated on the plus strand (TGCT on the coding strand, the reverse complement: CTSK is on the minus strand). VCF-style (leftmost placement, unchanged base first): chr1-150806779-T-TAGCA. GRCh37 (hg19) VCF-style: chr1-150779255-T-TAGCA.
Other names: short protein forms P10fs.
Identifiers: ClinVar variation 4065586 (VCV004065586.2).

ClinVar aggregate classification (germline): Likely pathogenic (1 of 4 stars; one submission).

Conditions:
Pyknodysostosis. Also called: Pycnodysostosis. Identifiers: Orphanet 763, MedGen C0238402, MONDO:0009940, OMIM 265800.

Submission:

Natera, Inc.
Classification: Likely pathogenic for Pyknodysostosis. Last evaluated: 2025-01-15. Review status: criteria provided, single submitter. Criteria: Natera Variant Classification Schema (03/2026). Collection method: clinical testing. Allele origin: germline.
Comment: The c.23_26dup variant in CTSK is a frameshift variant predicted to shift the reading frame beginning at codon 10 and leads to a stop codon 11 codons downstream. This variant is expected to result in nonsense mediated decay, truncation, or a dysfunctional protein product. This variant is rare in the general population with a frequency below the threshold expected for the associated phenotype(s). Given the available evidence, this variant is classified as Likely Pathogenic.